The following is an entry in ClinVar:

NM_024642.5(GALNT12):c.845G>A (p.Arg282Lys)

Gene: GALNT12 (polypeptide N-acetylgalactosaminyltransferase 12; plus strand). Cytogenetic location: 9q22.33.
Variant type: single nucleotide variant.
Coding change: c.845G>A on transcript NM_024642.5 (MANE Select); coding-DNA position 845, G replaced by A.
Protein change: p.Arg282Lys; replaces arginine 282 with lysine.
Molecular consequence: missense variant.
Genome position (GRCh38, 1-based): chr9:98,831,885, G>A. VCF-style: chr9-98831885-G-A. GRCh37 (hg19) VCF-style: chr9-101594167-G-A.
Other names: short protein forms R282K.
Identifiers: ClinVar variation 1481954 (VCV001481954.12), dbSNP rs374578939, ClinGen allele CA5154077.

ClinVar aggregate classification (germline): Uncertain significance. Review status: criteria provided, multiple submitters, no conflicts (2 of 4 stars). 3 submissions from 3 submitters: Uncertain significance (3). Last evaluated 2025-09-25.

Conditions:
Colorectal cancer, susceptibility to, 1. Also called: COLORECTAL ADENOMA AND CANCER, SUSCEPTIBILITY TO; COLORECTAL CANCER, SUSCEPTIBILITY TO, ON CHROMOSOME 9. Identifiers: MedGen C1837315, MONDO:0012132, OMIM 608812.

Allele frequency attached by ClinVar (database versions not stated): gnomAD exomes below 0.00001; TOPMed below 0.00001; ExAC 0.00001; gnomAD 0.00001; ESP Exome Variant Server 0.00008.
gnomAD v4.1: 3 of 1,614,080 alleles (0.00019%); highest among the groups gnomAD compares: Non-Finnish European, 0.00025%; no homozygotes.

Submissions (3):

Ambry Genetics
Classification: Uncertain significance. Last evaluated: 2025-09-25. Review status: criteria provided, single submitter. Criteria: Ambry Variant Classification Scheme 2023. Collection method: clinical testing. Allele origin: germline.
Comment: The p.R282K variant (also known as c.845G>A), located in coding exon 4 of the GALNT12 gene, results from a G to A substitution at nucleotide position 845. The arginine at codon 282 is replaced by lysine, an amino acid with highly similar properties. This amino acid position is conserved. In addition, the in silico prediction for this alteration is inconclusive. Since supporting evidence is limited at this time, the clinical significance of this alteration remains unclear.

Baylor Genetics
Classification: Uncertain significance for Colorectal cancer, susceptibility to, 1. Last evaluated: 2024-02-08. Review status: criteria provided, single submitter. Criteria: ACMG Guidelines, 2015. Collection method: clinical testing. Allele origin: unknown.

Labcorp Genetics (formerly Invitae), Labcorp
Classification: Uncertain significance. Last evaluated: 2022-10-11. Review status: criteria provided, single submitter. Criteria: Invitae Variant Classification Sherloc (09022015). Collection method: clinical testing. Allele origin: germline.
Comment: ClinVar contains an entry for this variant (Variation ID: 1481954). This variant has not been reported in the literature in individuals affected with GALNT12-related conditions. This sequence change replaces arginine, which is basic and polar, with lysine, which is basic and polar, at codon 282 of the GALNT12 protein (p.Arg282Lys). This variant is present in population databases (rs374578939, gnomAD 0.0009%). In summary, the available evidence is currently insufficient to determine the role of this variant in disease. Therefore, it has been classified as a Variant of Uncertain Significance. Advanced modeling of protein sequence and biophysical properties (such as structural, functional, and spatial information, amino acid conservation, physicochemical variation, residue mobility, and thermodynamic stability) performed at Invitae indicates that this missense variant is not expected to disrupt GALNT12 protein function.